The following is an entry in ClinVar:

NM_002691.4(POLD1):c.342del (p.Pro116fs)

Gene: POLD1 (DNA polymerase delta 1, catalytic subunit; plus strand). Cytogenetic location: 19q13.33.
Variant type: Deletion.
Coding change: c.342del on transcript NM_002691.4 (MANE Select); coding-DNA position 342, one base deleted (G; older notation c.342delG).
Protein change: p.Pro116fs; shifts the reading frame from proline 116.
Molecular consequence: frameshift variant. On other transcripts: non-coding transcript variant (1).
Genome position (GRCh38, 1-based): chr19:50,401,803, G deleted; the last of 6 consecutive G bases (chr19:50,401,798-50,401,803); deleting any one gives the same sequence. VCF-style (leftmost placement, unchanged base first): chr19-50401797-TG-T. GRCh37 (hg19) VCF-style: chr19-50905054-TG-T.
Other names: c.342del, p.Pro116fs (NM_001256849.1, NM_001308632.1); short protein forms P116fs.
Identifiers: ClinVar variation 1470649 (VCV001470649.6), dbSNP rs1291315726, ClinGen allele CA508304156.

ClinVar aggregate classification (germline): Uncertain significance (1 of 4 stars; one submission).

Conditions:
POLD1-related polyposis and colorectal cancer syndrome (CRCS10). Also called: Colorectal cancer 10; COLORECTAL CANCER, SUSCEPTIBILITY TO, ON CHROMOSOME 19q; Colorectal cancer, susceptibility to, 10. Identifiers: Orphanet 220460, MedGen C2675481, MONDO:0012953, OMIM 612591.

Submission:

Labcorp Genetics (formerly Invitae), Labcorp
Classification: Uncertain significance for POLD1-related polyposis and colorectal cancer syndrome. Last evaluated: 2021-07-29. Review status: criteria provided, single submitter. Criteria: Invitae Variant Classification Sherloc (09022015). Collection method: clinical testing. Allele origin: germline.
Comment: This sequence change creates a premature translational stop signal (p.Pro116Hisfs*53) in the POLD1 gene. It is expected to result in an absent or disrupted protein product. However, the current clinical and genetic evidence is not sufficient to establish whether loss-of-function variants in POLD1 cause disease. This variant is not present in population databases (ExAC no frequency). In summary, the available evidence is currently insufficient to determine the role of this variant in disease. Therefore, it has been classified as a Variant of Uncertain Significance. This variant has not been reported in the literature in individuals affected with POLD1-related conditions.